The following is an entry in ClinVar:

ClinVar aggregate classification (germline): Benign. Review status: criteria provided, multiple submitters, no conflicts (2 of 4 stars). 12 submissions from 12 submitters: Benign (9). 3 of the submissions do not count toward it. Last evaluated 2026-02-02.

Conditions:
Familial hypokalemia-hypomagnesemia (GTLMNS). Also called: gitelman syndrome; POTASSIUM AND MAGNESIUM DEPLETION; HYPOMAGNESEMIA-HYPOKALEMIA, PRIMARY RENOTUBULAR, WITH HYPOCALCIURIA. Identifiers: Orphanet 358, MedGen C0268450, MONDO:0009904, OMIM 263800.

Allele frequency attached by ClinVar (database versions not stated): 1000 Genomes Project 30x 0.01390; 1000 Genomes Project 0.01438; TOPMed 0.02823; ESP Exome Variant Server 0.03101; ExAC 0.03155; gnomAD exomes 0.03376; gnomAD 0.03711.
gnomAD v4.1: 67,018 of 1,613,806 alleles (4.2%); highest among the groups gnomAD compares: Middle Eastern, 5.7%; 1,648 homozygotes.

Submissions (12):

Labcorp Genetics (formerly Invitae), Labcorp
Classification: Benign. Last evaluated: 2026-02-02. Review status: criteria provided, single submitter. Criteria: Invitae Variant Classification Sherloc (09022015). Collection method: clinical testing. Allele origin: germline.

Blueprint Genetics
Classification: Benign. Last evaluated: 2024-11-27. Review status: criteria provided, single submitter. Criteria: ACMG Guidelines, 2015. Collection method: clinical testing. Allele origin: germline.

Mayo Clinic Laboratories, Mayo Clinic
Classification: Benign. Last evaluated: 2023-01-31. Review status: criteria provided, single submitter. Criteria: ACMG Guidelines, 2015. Collection method: clinical testing. Allele origin: germline. Observed: 13 variant alleles.

Genome-Nilou Lab
Classification: Benign for Familial hypokalemia-hypomagnesemia. Last evaluated: 2021-07-10. Review status: criteria provided, single submitter. Criteria: ACMG Guidelines, 2015. Collection method: clinical testing. Allele origin: germline. Affected: no.

GeneDx
Classification: Benign. Last evaluated: 2019-12-26. Review status: criteria provided, single submitter. Criteria: GeneDx Variant Classification Process June 2021. Collection method: clinical testing. Allele origin: germline. Affected: yes.

Illumina Laboratory Services, Illumina
Classification: Benign for Familial hypokalemia-hypomagnesemia. Last evaluated: 2018-01-12. Review status: criteria provided, single submitter. Criteria: ICSL Variant Classification Criteria 13 December 2019. Collection method: clinical testing. Allele origin: germline.
Comment: This variant was observed in the ICSL laboratory as part of a predisposition screen in an ostensibly healthy population. It had not been previously curated by ICSL or reported in the Human Gene Mutation Database (HGMD: prior to June 1st, 2018), and was therefore a candidate for classification through an automated scoring system. Utilizing variant allele frequency, disease prevalence and penetrance estimates, and inheritance mode, an automated score was calculated to assess if this variant is too frequent to cause the disease. Based on the score and internal cut-off values, a variant classified as benign is not then subjected to further curation. The score for this variant resulted in a classification of benign for this disease.

Athena Diagnostics
Classification: Benign for Familial hypokalemia-hypomagnesemia. Last evaluated: 2017-06-28. Review status: criteria provided, single submitter. Criteria: Athena Diagnostics Criteria. Collection method: clinical testing. Allele origin: germline.

Breakthrough Genomics
Classification: Benign. Review status: criteria provided, single submitter. Criteria: ACMG Guidelines, 2015. Collection method: not provided. Allele origin: germline. Inheritance: Autosomal recessive inheritance. Affected: yes.

PreventionGenetics, part of Exact Sciences
Classification: Benign. Review status: criteria provided, single submitter. Criteria: ACMG Guidelines, 2015. Collection method: clinical testing. Allele origin: germline.

Natera, Inc.
Classification: Benign for Gitelman syndrome. Last evaluated: 2020-09-16. Review status: no assertion criteria provided. Collection method: clinical testing. Allele origin: germline. Not counted in ClinVar's aggregate classification.

Genome Diagnostics Laboratory, University Medical Center Utrecht
Classification: Benign. Review status: no assertion criteria provided. Collection method: clinical testing. Allele origin: germline. Affected: yes. Study: VKGL Data-share Consensus. Not counted in ClinVar's aggregate classification.

Joint Genome Diagnostic Labs from Nijmegen and Maastricht, Radboudumc and MUMC+
Classification: Benign. Review status: no assertion criteria provided. Collection method: clinical testing. Allele origin: germline. Affected: yes. Study: VKGL Data-share Consensus. Not counted in ClinVar's aggregate classification.

NM_001126108.2(SLC12A3):c.1825+9C>A

Gene: SLC12A3 (solute carrier family 12 member 3; plus strand). Cytogenetic location: 16q13.
Variant type: single nucleotide variant.
Coding change: c.1825+9C>A on transcript NM_001126108.2 (MANE Select); 9 bases into the intron after coding-DNA position 1825, C replaced by A.
Molecular consequence: intron variant.
Genome position (GRCh38, 1-based): chr16:56,884,213, C>A. VCF-style: chr16-56884213-C-A. GRCh37 (hg19) VCF-style: chr16-56918125-C-A.
Other names: p.?; c.1825+9C>A (NM_000339.3); c.1822+9C>A (NM_001126107.2).
Identifiers: ClinVar variation 255881 (VCV000255881.25), dbSNP rs35797045, ClinGen allele CA8069616.
Genomic context (GRCh38, chr16:56,884,213, plus strand): 5'-GCCATTGGCGTGGTGCTCTTCCTCCTGCTCTATGTCATCTACAAGAAGCCAGGTGCGCAT[C>A]TCAGCTGCGGGGCCTCGGCCCTCCTCCCCCAGGGTAGCCATGCAGGCGGCCCTGCCCTCC-3'